The following is an entry in ClinVar:

NM_005045.4(RELN):c.3020C>G (p.Thr1007Ser)

Gene: RELN (reelin; minus strand). Cytogenetic location: 7q22.1.
Variant type: single nucleotide variant.
Coding change: c.3020C>G on transcript NM_005045.4 (MANE Select); coding-DNA position 3020, C replaced by G.
Protein change: p.Thr1007Ser; replaces threonine 1007 with serine.
Molecular consequence: missense variant.
Genome position (GRCh38, 1-based): chr7:103,604,472, G>C on the plus strand (C>G on the coding strand, the complement: RELN is on the minus strand). VCF-style: chr7-103604472-G-C. GRCh37 (hg19) VCF-style: chr7-103244919-G-C.
Other names: c.3020C>G, p.Thr1007Ser (NM_173054.3); short protein forms T1007S.
Identifiers: ClinVar variation 862194 (VCV000862194.9), dbSNP rs1831766309, ClinGen allele CA368763917.

ClinVar aggregate classification (germline): Uncertain significance (1 of 4 stars; one submission).

Conditions:
Norman-Roberts syndrome (LIS2). Also called: Lissencephaly 2 (Norman-Roberts type). Identifiers: Orphanet 89844, MedGen C0796089, MONDO:0009760, OMIM 257320.
Familial temporal lobe epilepsy 7. Identifiers: Orphanet 101046, MedGen C4225327, MONDO:0014639, OMIM 616436.

Submission:

Labcorp Genetics (formerly Invitae), Labcorp
Classification: Uncertain significance for Familial temporal lobe epilepsy 7; Norman-Roberts syndrome. Last evaluated: 2025-05-01. Review status: criteria provided, single submitter. Criteria: Invitae Variant Classification Sherloc (09022015). Collection method: clinical testing. Allele origin: germline.
Comment: This sequence change replaces threonine, which is neutral and polar, with serine, which is neutral and polar, at codon 1007 of the RELN protein (p.Thr1007Ser). This variant is not present in population databases (gnomAD no frequency). This variant has not been reported in the literature in individuals affected with RELN-related conditions. ClinVar contains an entry for this variant (Variation ID: 862194). Invitae Evidence Modeling of protein sequence and biophysical properties (such as structural, functional, and spatial information, amino acid conservation, physicochemical variation, residue mobility, and thermodynamic stability) indicates that this missense variant is not expected to disrupt RELN protein function with a negative predictive value of 80%. In summary, the available evidence is currently insufficient to determine the role of this variant in disease. Therefore, it has been classified as a Variant of Uncertain Significance.